The following is an entry in ClinVar:

NM_003640.5(ELP1):c.1361-2del

Gene: ELP1 (elongator acetyltransferase complex subunit 1; minus strand). Cytogenetic location: 9q31.3.
Variant type: Deletion.
Coding change: c.1361-2del on transcript NM_003640.5 (MANE Select); the canonical splice acceptor site of the intron before coding-DNA position 1361, one base deleted (A; older notation c.1361-2delA).
Molecular consequence: splice acceptor variant.
Genome position (GRCh38, 1-based): chr9:108,908,406, T deleted on the plus strand (A on the coding strand, the reverse complement: ELP1 is on the minus strand). VCF-style (leftmost placement, unchanged base first): chr9-108908405-CT-C. GRCh37 (hg19) VCF-style: chr9-111670685-CT-C.
Other names: c.1019-2del (NM_001318360.2); c.314-2del (NM_001330749.2).
Identifiers: ClinVar variation 4815171 (VCV004815171.1).
Genomic context (GRCh38, chr9:108,908,405, plus strand): 5'-TAAATCCACTTCCACCCACAGCTCCCAGTTTCACTGTAGGGTCAGCACTTGGACAATCAC[CT>C]GGAAAACAAAAATGCAAATATTATCATCGTAAATTATAAGATTTCACCTAATACTAAGGG-3'

ClinVar aggregate classification (germline): Likely pathogenic (1 of 4 stars; one submission).

Conditions:
Familial dysautonomia. Also called: HSAN III; FD. Identifiers: Orphanet 1764, MedGen C0013364, MONDO:0009131, OMIM 223900. Disease mechanism: loss of function.

Submission:

Natera, Inc.
Classification: Likely pathogenic for Familial dysautonomia. Last evaluated: 2025-10-02. Review status: criteria provided, single submitter. Criteria: Natera Variant Classification Schema (03/2026). Collection method: clinical testing. Allele origin: germline.
Comment: The c.1361-2del variant in ELP1 is a canonical splice acceptor site variant predicted to affect pre-mRNA splicing, which may result in an abnormal transcript and altered protein product. This variant is expected to result in nonsense mediated decay, truncation, or a dysfunctional protein product. This variant is rare in the general population with a frequency below the threshold expected for the associated phenotype(s). Given the available evidence, this variant is classified as Likely Pathogenic.